The following is an entry in ClinVar:

ClinVar aggregate classification (germline): Likely pathogenic (1 of 4 stars; one submission).

Conditions:
Bloom syndrome (BLM). Also called: Bloom-Torre-Machacek syndrome. Identifiers: Orphanet 125, MedGen C0005859, MONDO:0008876, OMIM 210900.

Submission:

Labcorp Genetics (formerly Invitae), Labcorp
Classification: Likely pathogenic for Bloom syndrome. Last evaluated: 2023-11-11. Review status: criteria provided, single submitter. Criteria: Invitae Variant Classification Sherloc (09022015). Collection method: clinical testing. Allele origin: germline.
Comment: This variant results in the deletion of part of exon 4 (c.959_959+16del) of the BLM gene. It is expected to disrupt RNA splicing. Variants that disrupt the donor or acceptor splice site typically lead to a loss of protein function (PMID: 16199547), and loss-of-function variants in BLM are known to be pathogenic (PMID: 17407155). This variant is not present in population databases (gnomAD no frequency). This variant has not been reported in the literature in individuals affected with BLM-related conditions. In summary, the currently available evidence indicates that the variant is pathogenic, but additional data are needed to prove that conclusively. Therefore, this variant has been classified as Likely Pathogenic.

Literature cited by the submitters: PubMed 16199547; PubMed 17407155.

NM_000057.4(BLM):c.959_959+16del

Gene: BLM (BLM RecQ like helicase; plus strand). Cytogenetic location: 15q26.1.
Variant type: Deletion.
Coding change: c.959_959+16del on transcript NM_000057.4 (MANE Select); coding-DNA position 959 through 16 bases into the intron after coding-DNA position 959, 17 bases deleted (GGTAAACTAGCTAAATA).
Molecular consequence: splice donor variant.
Genome position (GRCh38, 1-based): chr15:90,751,946-90,751,962, GGTAAACTAGCTAAATA deleted; deleting any 17 consecutive bases within chr15:90,751,944-90,751,962 gives the same sequence; the c. name uses the placement nearest the transcript's 3' end. VCF-style (leftmost placement, unchanged base first): chr15-90751943-TTAGGTAAACTAGCTAAA-T. GRCh37 (hg19) VCF-style: chr15-91295173-TTAGGTAAACTAGCTAAA-T.
Other names: c.959_959+16del (NM_001287246.2, NM_001287247.2); c.-333_-333+16del (NM_001287248.2).
Identifiers: ClinVar variation 2695052 (VCV002695052.3), dbSNP rs2505400713, ClinGen allele CA2697549325.